The following is an entry in ClinVar:

NM_020975.6(RET):c.909_910delinsAA (p.Val304Ile)

Gene: RET (ret proto-oncogene; plus strand). Cytogenetic location: 10q11.21.
Variant type: Indel.
Coding change: c.909_910delinsAA on transcript NM_020975.6 (MANE Select); coding-DNA positions 909 to 910, GG replaced by AA.
Protein change: p.Val304Ile; replaces valine 304 with isoleucine.
Molecular consequence: missense variant. On other transcripts: intron variant (25).
Genome position (GRCh38, 1-based): chr10:43,106,417-43,106,418, GG replaced by AA. VCF-style: chr10-43106417-GG-AA. GRCh37 (hg19) VCF-style: chr10-43601865-GG-AA.
Other names: c.147_148delinsAA, p.Val50Ile (NM_001355216.2); c.909_910delinsAA, p.Val304Ile (NM_001406743.1, NM_001406744.1, NM_001406759.1 and 4 more transcripts); c.780_781delinsAA, p.Val261Ile (NM_001406761.1, NM_001406762.1, NM_001406764.1 and 1 more transcripts); c.621_622delinsAA, p.Val208Ile (NM_001406766.1, NM_001406767.1, NM_001406770.1); c.867+1224_867+1225delinsAA (NM_001406772.1, NM_001406769.1); c.626-2614_626-2613delinsAA (NM_001406773.1, NM_001406771.1); c.625+3788_625+3789delinsAA (NM_001406782.1, NM_001406780.1, NM_001406779.1 and 3 more transcripts); c.738+1224_738+1225delinsAA (NM_001406774.1); and 5 more; short protein forms V261I, V304I, V50I, V208I.
Identifiers: ClinVar variation 3432245 (VCV003432245.1).

ClinVar aggregate classification (germline): Uncertain significance (1 of 4 stars; one submission).

Conditions:
Hereditary cancer-predisposing syndrome. Also called: Neoplastic Syndromes, Hereditary; Tumor predisposition; Hereditary Cancer Syndrome; Hereditary neoplastic syndrome. Identifiers: Orphanet 140162, MedGen C0027672, MeSH D009386, MONDO:0015356.

Submission:

Ambry Genetics
Classification: Uncertain significance for Hereditary cancer-predisposing syndrome. Last evaluated: 2024-09-09. Review status: criteria provided, single submitter. Criteria: Ambry Variant Classification Scheme 2023. Collection method: clinical testing. Allele origin: germline.
Comment: The c.909_910delGGinsAA variant (also known as p.V304I), located in coding exon 5 of the RET gene, results from an in-frame deletion of GG and insertion of AA at nucleotide positions 909 to 910. This results in the substitution of the valine residue for an isoleucine residue at codon 304, an amino acid with highly similar properties. This amino acid position is highly conserved in available vertebrate species. In addition, this alteration is predicted to be neutral by in silico analysis (Choi Y et al. PLoS ONE. 2012; 7(10):e46688). Based on the available evidence, the clinical significance of this variant remains unclear.